The following is an entry in ClinVar:

ClinVar aggregate classification (germline): Uncertain significance (1 of 4 stars; one submission).

Allele frequency attached by ClinVar (database versions not stated): gnomAD exomes below 0.00001.
gnomAD v4.1: 2 of 1,613,402 alleles (0.00012%); highest among the groups gnomAD compares: East Asian, 0.0022%; no homozygotes.

Submission:

Labcorp Genetics (formerly Invitae), Labcorp
Classification: Uncertain significance. Last evaluated: 2022-07-21. Review status: criteria provided, single submitter. Criteria: Invitae Variant Classification Sherloc (09022015). Collection method: clinical testing. Allele origin: germline.
Comment: This sequence change falls in intron 15 of the HYOU1 gene. It does not directly change the encoded amino acid sequence of the HYOU1 protein. This variant is not present in population databases (gnomAD no frequency). This variant has not been reported in the literature in individuals affected with HYOU1-related conditions. In summary, the available evidence is currently insufficient to determine the role of this variant in disease. Therefore, it has been classified as a Variant of Uncertain Significance.

NM_006389.5(HYOU1):c.1726+13T>C

Gene: HYOU1 (hypoxia up-regulated 1; minus strand). Cytogenetic location: 11q23.3.
Variant type: single nucleotide variant.
Coding change: c.1726+13T>C on transcript NM_006389.5 (MANE Select); 13 bases into the intron after coding-DNA position 1726, T replaced by C.
Molecular consequence: intron variant.
Genome position (GRCh38, 1-based): chr11:119,049,764, A>G on the plus strand (T>C on the coding strand, the complement: HYOU1 is on the minus strand). VCF-style: chr11-119049764-A-G. GRCh37 (hg19) VCF-style: chr11-118920476-A-G.
Other names: c.1726+13T>C (NM_001130991.3).
Identifiers: ClinVar variation 2135660 (VCV002135660.4), dbSNP rs2497139602, ClinGen allele CA2580083625.